The following is an entry in ClinVar:

ClinVar aggregate classification (germline): Conflicting classifications of pathogenicity. Review status: criteria provided, conflicting classifications (1 of 4 stars). 5 submissions from 4 submitters: Uncertain significance (2); Benign (1); Likely benign (1). 1 of the submissions does not count toward it. Last evaluated 2026-01-28.

Conditions:
HADHA-related disorder. Also called: HADHA-related condition; HADHA-related disorders.
Mitochondrial trifunctional protein deficiency. Identifiers: Orphanet 746, MedGen C1969443, MONDO:0012172.
Long chain 3-hydroxyacyl-CoA dehydrogenase deficiency. Also called: Deficiency of long-chain 3-hydroxyacyl-coenzyme A dehydrogenase; LCHAD Deficiency. Identifiers: Orphanet 5, MedGen C3711645, MONDO:0012173, OMIM 609016.

Allele frequency attached by ClinVar (database versions not stated): gnomAD 0.00009 and 0.00015; TOPMed 0.00009; ExAC 0.00021; gnomAD exomes 0.00027; 1000 Genomes Project 0.00200; 1000 Genomes Project 30x 0.00234.
gnomAD v4.1: 87 of 1,611,948 alleles (0.0054%); highest among the groups gnomAD compares: East Asian, 0.16%; no homozygotes.

Submissions (5):

Labcorp Genetics (formerly Invitae), Labcorp
Classification: Benign for Mitochondrial trifunctional protein deficiency; Long chain 3-hydroxyacyl-CoA dehydrogenase deficiency. Last evaluated: 2026-01-28. Review status: criteria provided, single submitter. Criteria: Invitae Variant Classification Sherloc (09022015). Collection method: clinical testing. Allele origin: germline.

Illumina Laboratory Services, Illumina
Classification: Uncertain significance for Long chain 3-hydroxyacyl-CoA dehydrogenase deficiency. Last evaluated: 2018-01-13. Review status: criteria provided, single submitter. Criteria: ICSL Variant Classification Criteria 13 December 2019. Collection method: clinical testing. Allele origin: germline.

Illumina Laboratory Services, Illumina
Classification: Uncertain significance for Mitochondrial trifunctional protein deficiency 1. Last evaluated: 2018-01-13. Review status: criteria provided, single submitter. Criteria: ICSL Variant Classification Criteria 13 December 2019. Collection method: clinical testing. Allele origin: germline.

GeneDx
Classification: Likely benign. Last evaluated: 2017-03-14. Review status: criteria provided, single submitter. Criteria: GeneDx Variant Classification (06012015). Collection method: clinical testing. Allele origin: germline. Affected: yes.
Comment: This variant is considered likely benign or benign based on one or more of the following criteria: it is a conservative change, it occurs at a poorly conserved position in the protein, it is predicted to be benign by multiple in silico algorithms, and/or has population frequency not consistent with disease.

PreventionGenetics, part of Exact Sciences
Classification: Likely benign for HADHA-related condition. Last evaluated: 2019-08-07. Review status: no assertion criteria provided. Collection method: clinical testing. Allele origin: germline. Not counted in ClinVar's aggregate classification.
Comment: This variant is classified as likely benign based on ACMG/AMP sequence variant interpretation guidelines (Richards et al. 2015 PMID: 25741868, with internal and published modifications).

NM_000182.5(HADHA):c.1284C>T (p.Asn428=)

Genes: HADHA (hydroxyacyl-CoA dehydrogenase trifunctional multienzyme complex subunit alpha; minus strand), GAREM2 (GRB2 associated regulator of MAPK1 subtype 2; plus strand). Cytogenetic location: 2p23.3.
Variant type: single nucleotide variant.
Coding change: c.1284C>T on transcript NM_000182.5 (MANE Select); coding-DNA position 1284, C replaced by T.
Protein change: p.Asn428=; no amino-acid change (asparagine 428 retained).
Molecular consequence: synonymous variant.
Genome position (GRCh38, 1-based): chr2:26,201,257, G>A on the plus strand (C>T on the coding strand, the complement: HADHA is on the minus strand). VCF-style: chr2-26201257-G-A. GRCh37 (hg19) VCF-style: chr2-26424126-G-A.
Identifiers: ClinVar variation 507903 (VCV000507903.16), dbSNP rs199535840, ClinGen allele CA1559625.